The following is an entry in ClinVar:

ClinVar aggregate classification (germline): Uncertain significance (1 of 4 stars; one submission).

Conditions:
Congenital myotonia, autosomal dominant form (THD). Also called: THOMSEN DISEASE; Myotonia congenita autosomal dominant. Identifiers: Orphanet 614, MedGen C2936781, MONDO:0008055, OMIM 160800.
Congenital myotonia, autosomal recessive form. Also called: BECKER DISEASE; Becker Generalized Myotonia; myotonia congenita, autosomal recessive. Identifiers: Orphanet 614, MedGen C0751360, MONDO:0009715, OMIM 255700.

Submission:

Labcorp Genetics (formerly Invitae), Labcorp
Classification: Uncertain significance for Congenital myotonia, autosomal recessive form; Congenital myotonia, autosomal dominant form. Last evaluated: 2023-09-04. Review status: criteria provided, single submitter. Criteria: Invitae Variant Classification Sherloc (09022015). Collection method: clinical testing. Allele origin: germline.
Comment: In summary, the available evidence is currently insufficient to determine the role of this variant in disease. Therefore, it has been classified as a Variant of Uncertain Significance. Advanced modeling of protein sequence and biophysical properties (such as structural, functional, and spatial information, amino acid conservation, physicochemical variation, residue mobility, and thermodynamic stability) performed at Invitae indicates that this missense variant is expected to disrupt CLCN1 protein function. This variant has not been reported in the literature in individuals affected with CLCN1-related conditions. This sequence change replaces glycine, which is neutral and non-polar, with alanine, which is neutral and non-polar, at codon 551 of the CLCN1 protein (p.Gly551Ala). This variant is not present in population databases (gnomAD no frequency).

NM_000083.3(CLCN1):c.1652G>C (p.Gly551Ala)

Gene: CLCN1 (chloride voltage-gated channel 1; plus strand). Cytogenetic location: 7q34.
Variant type: single nucleotide variant.
Coding change: c.1652G>C on transcript NM_000083.3 (MANE Select); coding-DNA position 1652, G replaced by C.
Protein change: p.Gly551Ala; replaces glycine 551 with alanine.
Molecular consequence: missense variant. On other transcripts: non-coding transcript variant (1).
Genome position (GRCh38, 1-based): chr7:143,341,998, G>C. VCF-style: chr7-143341998-G-C. GRCh37 (hg19) VCF-style: chr7-143039091-G-C.
Other names: short protein forms G551A.
Identifiers: ClinVar variation 2951603 (VCV002951603.3), dbSNP rs1563084603, ClinGen allele CA369646485.